The following is an entry in ClinVar:

NM_015015.3(KDM4B):c.923C>T (p.Thr308Met)

Gene: KDM4B (lysine demethylase 4B; plus strand). Cytogenetic location: 19p13.3.
Variant type: single nucleotide variant.
Coding change: c.923C>T on transcript NM_015015.3 (MANE Select); coding-DNA position 923, C replaced by T.
Protein change: p.Thr308Met; replaces threonine 308 with methionine.
Molecular consequence: missense variant.
Genome position (GRCh38, 1-based): chr19:5,110,626, C>T. VCF-style: chr19-5110626-C-T. GRCh37 (hg19) VCF-style: chr19-5110637-C-T.
Other names: c.923C>T, p.Thr308Met (NM_001370093.1, NM_001370094.1, NM_001411148.1); short protein forms T308M.
Identifiers: ClinVar variation 3766352 (VCV003766352.2).

ClinVar aggregate classification (germline): Uncertain significance (1 of 4 stars; one submission).

gnomAD v4.1: 1 of 1,612,878 alleles (0.000062%); highest among the groups gnomAD compares: Non-Finnish European, 0.000085%; no homozygotes.

Submission:

GeneDx
Classification: Uncertain significance. Last evaluated: 2025-09-09. Review status: criteria provided, single submitter. Criteria: GeneDx Variant Classification Process June 2021. Collection method: clinical testing. Allele origin: germline.
Comment: Not observed at significant frequency in large population cohorts (gnomAD); In silico analysis supports that this missense variant has a deleterious effect on protein structure/function; Has not been previously published as pathogenic or benign to our knowledge